The following is an entry in ClinVar:

ClinVar aggregate classification (germline): Likely pathogenic (1 of 4 stars; one submission).

Submission:

Labcorp Genetics (formerly Invitae), Labcorp
Classification: Likely pathogenic. Last evaluated: 2021-09-15. Review status: criteria provided, single submitter. Criteria: Invitae Variant Classification Sherloc (09022015). Collection method: clinical testing. Allele origin: germline.
Comment: Algorithms developed to predict the effect of sequence changes on RNA splicing suggest that this variant may disrupt the consensus splice site. In summary, the currently available evidence indicates that the variant is pathogenic, but additional data are needed to prove that conclusively. Therefore, this variant has been classified as Likely Pathogenic. This variant has not been reported in the literature in individuals affected with COL27A1-related conditions. This sequence change affects a donor splice site in intron 38 of the COL27A1 gene. It is expected to disrupt RNA splicing. Variants that disrupt the donor or acceptor splice site typically lead to a loss of protein function (PMID: 16199547), and loss-of-function variants in COL27A1 are known to be pathogenic (PMID: 24986830, 28276056). This variant is not present in population databases (ExAC no frequency).

Literature cited by the submitters: PubMed 16199547; PubMed 24986830; PubMed 28276056.

NM_032888.4(COL27A1):c.3771+2T>C

Gene: COL27A1 (collagen type XXVII alpha 1 chain; plus strand). Cytogenetic location: 9q32.
Variant type: single nucleotide variant.
Coding change: c.3771+2T>C on transcript NM_032888.4 (MANE Select); the canonical splice donor site of the intron after coding-DNA position 3771, T replaced by C.
Molecular consequence: splice donor variant.
Genome position (GRCh38, 1-based): chr9:114,282,332, T>C. VCF-style: chr9-114282332-T-C. GRCh37 (hg19) VCF-style: chr9-117044612-T-C.
Identifiers: ClinVar variation 1467354 (VCV001467354.6), dbSNP rs1436944837, ClinGen allele CA374598596.